The following is an entry in ClinVar:

NM_003500.4(ACOX2):c.820-2A>G

Gene: ACOX2 (acyl-CoA oxidase 2; minus strand). Cytogenetic location: 3p14.3.
Variant type: single nucleotide variant.
Coding change: c.820-2A>G on transcript NM_003500.4 (MANE Select); the canonical splice acceptor site of the intron before coding-DNA position 820, A replaced by G.
Molecular consequence: splice acceptor variant.
Genome position (GRCh38, 1-based): chr3:58,530,640, T>C on the plus strand (A>G on the coding strand, the complement: ACOX2 is on the minus strand). VCF-style: chr3-58530640-T-C. GRCh37 (hg19) VCF-style: chr3-58516367-T-C.
Identifiers: ClinVar variation 5018670 (VCV005018670.2).

ClinVar aggregate classification (germline): Likely pathogenic (1 of 4 stars; one submission).

Conditions:
Congenital bile acid synthesis defect 6. Identifiers: MedGen C4310624, MONDO:0015015, OMIM 617308.

Submission:

Juno Genomics, Hangzhou Juno Genomics, Inc
Classification: Likely pathogenic for Congenital bile acid synthesis defect 6. Review status: criteria provided, single submitter. Criteria: ACMG Guidelines, 2015. Collection method: clinical testing. Allele origin: germline.
Comment: Absent from controls (or at extremely low frequency if recessive) in Genome Aggregation Database.;Null variant in a gene where loss of function (LOF) is a known mechanism of disease.